The following is an entry in ClinVar:

NM_000051.4(ATM):c.4236+1G>C

Gene: ATM (ATM serine/threonine kinase; plus strand). Cytogenetic location: 11q22.3.
Variant type: single nucleotide variant.
Coding change: c.4236+1G>C on transcript NM_000051.4 (MANE Select); the canonical splice donor site of the intron after coding-DNA position 4236, G replaced by C.
Molecular consequence: splice donor variant.
Genome position (GRCh38, 1-based): chr11:108,289,104, G>C. VCF-style: chr11-108289104-G-C. GRCh37 (hg19) VCF-style: chr11-108159831-G-C.
Other names: c.4236+1G>C (NM_000051.3, NM_001351834.2).
Identifiers: ClinVar variation 2108805 (VCV002108805.5), dbSNP rs876660674, ClinGen allele CA382530762.

ClinVar aggregate classification (germline): Likely pathogenic. Review status: criteria provided, multiple submitters, no conflicts (2 of 4 stars). 3 submissions from 3 submitters: Likely pathogenic (3). Last evaluated 2025-11-24.

Conditions:
Ataxia-telangiectasia syndrome (AT). Also called: AT, COMPLEMENTATION GROUP C; Ataxia telangiectasia (A-T); LOUIS-BAR SYNDROME; Ataxia-telangiectasia, complementation group D; Ataxia-telangiectasia, complementation group E; ATAXIA-TELANGIECTASIA, COMPLEMENTATION GROUP A. Identifiers: Orphanet 100, MedGen C0004135, MONDO:0008840, OMIM 208900.
Hereditary cancer-predisposing syndrome. Also called: Hereditary Cancer Syndrome; Tumor predisposition; Neoplastic Syndromes, Hereditary; Hereditary neoplastic syndrome. Identifiers: Orphanet 140162, MedGen C0027672, MeSH D009386, MONDO:0015356.

Submissions (3):

Labcorp Genetics (formerly Invitae), Labcorp
Classification: Likely pathogenic for Ataxia-telangiectasia syndrome. Last evaluated: 2025-11-24. Review status: criteria provided, single submitter. Criteria: Invitae Variant Classification Sherloc (09022015). Collection method: clinical testing. Allele origin: germline.
Comment: This sequence change affects a donor splice site in intron 28 of the ATM gene. RNA analysis indicates that disruption of this splice site induces altered splicing and may result in an absent or altered protein product. This variant is not present in population databases (gnomAD no frequency). Disruption of this splice site has been observed in individual(s) with ovarian, lung, and renal cell cancer (PMID: 30322717, 32866655, 34654685). ClinVar contains an entry for this variant (Variation ID: 2108805). Studies have shown that disruption of this splice site results in skipping of exon 28, and produces a non-functional protein and/or introduces a premature termination codon (internal data). In summary, the currently available evidence indicates that the variant is pathogenic, but additional data are needed to prove that conclusively. Therefore, this variant has been classified as Likely Pathogenic.

Quest Diagnostics Nichols Institute San Juan Capistrano
Classification: Likely pathogenic. Last evaluated: 2025-10-03. Review status: criteria provided, single submitter. Criteria: Quest Diagnostics criteria. Collection method: clinical testing. Allele origin: unknown.
Comment: The ATM c.4236+1G>C variant disrupts a canonical splice-donor site and is predicted to interfere with normal ATM mRNA splicing. This variant has not been reported in individuals with ATM-related conditions in the published literature. This variant has not been reported in large, multi-ethnic general populations (Genome Aggregation Database). Based on the available information, the c.4236+1G>C variant is classified as likely pathogenic.

Ambry Genetics
Classification: Likely pathogenic for Hereditary cancer-predisposing syndrome. Last evaluated: 2025-06-23. Review status: criteria provided, single submitter. Criteria: Ambry Variant Classification Scheme 2023. Collection method: clinical testing. Allele origin: germline.
Comment: Thec.4236+1G>C intronic variant results from a G to C substitution one nucleotide after coding exon 27 of the ATM gene. This variant is considered to be rare based on population cohorts in the Genome Aggregation Database (gnomAD). This nucleotide position is highly conserved in available vertebrate species. In silico splice site analysis predicts that this alteration will weaken the native splice donor site. Alterations that disrupt the canonical splice site are expected to cause aberrant splicing, resulting in an abnormal protein or a transcript that is subject to nonsense-mediated mRNA decay. As such, this alteration is classified as likely pathogenic.

Literature cited by the submitters: PubMed 30322717 (cited by Labcorp Genetics (formerly Invitae), Labcorp); PubMed 32866655 (cited by Labcorp Genetics (formerly Invitae), Labcorp); PubMed 34654685 (cited by Labcorp Genetics (formerly Invitae), Labcorp).